The following is an entry in ClinVar:

NM_005359.6(SMAD4):c.659C>T (p.Ala220Val)

Gene: SMAD4 (SMAD family member 4; plus strand). Cytogenetic location: 18q21.2.
Variant type: single nucleotide variant.
Coding change: c.659C>T on transcript NM_005359.6 (MANE Select); coding-DNA position 659, C replaced by T.
Protein change: p.Ala220Val; replaces alanine 220 with valine.
Molecular consequence: missense variant.
Genome position (GRCh38, 1-based): chr18:51,054,985, C>T. VCF-style: chr18-51054985-C-T. GRCh37 (hg19) VCF-style: chr18-48581355-C-T.
Other names: short protein forms A220V.
Identifiers: ClinVar variation 944863 (VCV000944863.10), dbSNP rs1909803170, ClinGen allele CA402461344.

ClinVar aggregate classification (germline): Uncertain significance. Review status: criteria provided, multiple submitters, no conflicts (2 of 4 stars). 2 submissions from 2 submitters: Uncertain significance (2). Last evaluated 2025-03-31.

Conditions:
Juvenile polyposis syndrome (JPS). Identifiers: Orphanet 2929, MedGen C0345893, MONDO:0017380, OMIM 174900.
Hereditary cancer-predisposing syndrome. Also called: Neoplastic Syndromes, Hereditary; Hereditary neoplastic syndrome; Hereditary Cancer Syndrome; Tumor predisposition. Identifiers: Orphanet 140162, MedGen C0027672, MeSH D009386, MONDO:0015356.
Familial thoracic aortic aneurysm and aortic dissection (TAAD). Also called: Thoracic aortic aneurysms and dissections. Identifiers: Orphanet 91387, MedGen C4707243, MONDO:0019625.

Submissions (2):

Labcorp Genetics (formerly Invitae), Labcorp
Classification: Uncertain significance for Juvenile polyposis syndrome. Last evaluated: 2025-03-31. Review status: criteria provided, single submitter. Criteria: Invitae Variant Classification Sherloc (09022015). Collection method: clinical testing. Allele origin: germline.
Comment: This sequence change replaces alanine, which is neutral and non-polar, with valine, which is neutral and non-polar, at codon 220 of the SMAD4 protein (p.Ala220Val). This variant is not present in population databases (gnomAD no frequency). This variant has not been reported in the literature in individuals affected with SMAD4-related conditions. ClinVar contains an entry for this variant (Variation ID: 944863). Invitae Evidence Modeling of protein sequence and biophysical properties (such as structural, functional, and spatial information, amino acid conservation, physicochemical variation, residue mobility, and thermodynamic stability) indicates that this missense variant is not expected to disrupt SMAD4 protein function with a negative predictive value of 95%. In summary, the available evidence is currently insufficient to determine the role of this variant in disease. Therefore, it has been classified as a Variant of Uncertain Significance.

Ambry Genetics
Classification: Uncertain significance for Hereditary cancer-predisposing syndrome; Familial thoracic aortic aneurysm and aortic dissection. Last evaluated: 2024-09-13. Review status: criteria provided, single submitter. Criteria: Ambry Variant Classification Scheme 2023. Collection method: clinical testing. Allele origin: germline.
Comment: The p.A220V variant (also known as c.659C>T), located in coding exon 4 of the SMAD4 gene, results from a C to T substitution at nucleotide position 659. The alanine at codon 220 is replaced by valine, an amino acid with similar properties. This amino acid position is well conserved in available vertebrate species. In addition, this alteration is predicted to be deleterious by in silico analysis. Since supporting evidence is limited at this time, the clinical significance of this alteration remains unclear.